The following is an entry in ClinVar:

ClinVar aggregate classification (germline): Likely benign. Review status: criteria provided, multiple submitters, no conflicts (2 of 4 stars). 2 submissions from 2 submitters: Likely benign (2). Last evaluated 2024-11-19.

Conditions:
Maturity-onset diabetes of the young (MODY). Also called: Maturity onset diabetes mellitus in young. Identifiers: Orphanet 552, MedGen C0342276, MONDO:0018911, HP:0004904.

Allele frequency attached by ClinVar (database versions not stated): gnomAD exomes 0.00001.

Submissions (2):

Labcorp Genetics (formerly Invitae), Labcorp
Classification: Likely benign. Last evaluated: 2024-11-19. Review status: criteria provided, single submitter. Criteria: Invitae Variant Classification Sherloc (09022015). Collection method: clinical testing. Allele origin: germline.

Clinical Genomics, Uppaluri K&H Personalized Medicine Clinic
Classification: Likely benign for Maturity-onset diabetes of the young. Review status: criteria provided, single submitter. Criteria: K & H Uppaluri Personalized Medicine Clinic Variant Classification & Assertion Criteria_Updated V.1. Collection method: research. Allele origin: unknown. Inheritance: Autosomal dominant inheritance.
Comment: Mutations in HNF1A gene can predispose to MODY3. It is associated with both micro and macrovascular complications of diabetes, especially cardiovascular complications. Associated with glucosuria. May respond well to sulfonylureas. However, more evidence is required to confer the association of this particular variant rs1345001140 with MODY3.

Literature cited by the submitters: PubMed 31517624 (cited by Clinical Genomics, Uppaluri K&H Personalized Medicine Clinic); PubMed 32395877 (cited by Clinical Genomics, Uppaluri K&H Personalized Medicine Clinic); PubMed 35328643 (cited by Clinical Genomics, Uppaluri K&H Personalized Medicine Clinic); PubMed 35673428 (cited by Clinical Genomics, Uppaluri K&H Personalized Medicine Clinic).

NM_000545.8(HNF1A):c.1281C>T (p.Thr427=)

Gene: HNF1A (HNF1 homeobox A; plus strand). Cytogenetic location: 12q24.31.
Variant type: single nucleotide variant.
Coding change: c.1281C>T on transcript NM_000545.8 (MANE Select); coding-DNA position 1281, C replaced by T.
Protein change: p.Thr427=; no amino-acid change (threonine 427 retained).
Molecular consequence: synonymous variant.
Genome position (GRCh38, 1-based): chr12:120,996,714, C>T. VCF-style: chr12-120996714-C-T. GRCh37 (hg19) VCF-style: chr12-121434517-C-T.
Other names: c.1281C>T, p.Thr427= (NM_001306179.2).
Identifiers: ClinVar variation 797839 (VCV000797839.7), dbSNP rs1345001140, ClinGen allele CA482164893.